The following is an entry in ClinVar:

ClinVar aggregate classification (germline): Likely pathogenic. Review status: criteria provided, single submitter (1 of 4 stars). 2 submissions from 2 submitters: Likely pathogenic (1). 1 of the submissions does not count toward it. Last evaluated 2021-11-18.

Conditions:
Primary hyperoxaluria, type I (HP1). Also called: GLYCOLIC ACIDURIA; HEPATIC AGT DEFICIENCY; OXALOSIS I; Primary hyperoxaluria type 1. Identifiers: Orphanet 416, Orphanet 93598, MedGen C0268164, MONDO:0009823, OMIM 259900. Disease mechanism: loss of function.

Allele frequency attached by ClinVar (database versions not stated): gnomAD exomes below 0.00001.
gnomAD v4.1: 2 of 1,613,988 alleles (0.00012%); highest among the groups gnomAD compares: Non-Finnish European, 0.00017%; no homozygotes.

Submissions (2):

Labcorp Genetics (formerly Invitae), Labcorp
Classification: Likely pathogenic. Last evaluated: 2021-11-18. Review status: criteria provided, single submitter. Criteria: Invitae Variant Classification Sherloc (09022015). Collection method: clinical testing. Allele origin: germline.
Comment: In summary, the currently available evidence indicates that the variant is pathogenic, but additional data are needed to prove that conclusively. Therefore, this variant has been classified as Likely Pathogenic. Advanced modeling of protein sequence and biophysical properties (such as structural, functional, and spatial information, amino acid conservation, physicochemical variation, residue mobility, and thermodynamic stability) performed at Invitae indicates that this missense variant is expected to disrupt AGXT protein function. ClinVar contains an entry for this variant (Variation ID: 204081). This missense change has been observed in individual(s) with hyperoxaluria (PMID: 25629080). This variant is not present in population databases (gnomAD no frequency). This sequence change replaces threonine, which is neutral and polar, with asparagine, which is neutral and polar, at codon 70 of the AGXT protein (p.Thr70Asn).

Clinical Biochemistry Laboratory, Health Services Laboratory
Classification: Pathogenic for Primary hyperoxaluria, type I. Last evaluated: 2014-11-27. Review status: no assertion criteria provided. Collection method: in vivo. Allele origin: germline. Affected: yes. Not counted in ClinVar's aggregate classification.

Literature cited by the submitters: PubMed 25629080 (cited by Labcorp Genetics (formerly Invitae), Labcorp).

NM_000030.3(AGXT):c.209C>A (p.Thr70Asn)

Gene: AGXT (alanine--glyoxylate aminotransferase; plus strand). Cytogenetic location: 2q37.3.
Variant type: single nucleotide variant.
Coding change: c.209C>A on transcript NM_000030.3 (MANE Select); coding-DNA position 209, C replaced by A.
Protein change: p.Thr70Asn; replaces threonine 70 with asparagine.
Molecular consequence: missense variant.
Genome position (GRCh38, 1-based): chr2:240,869,213, C>A. VCF-style: chr2-240869213-C-A. GRCh37 (hg19) VCF-style: chr2-241808630-C-A.
Other names: short protein forms T70N.
Identifiers: ClinVar variation 204081 (VCV000204081.7), dbSNP rs796052058, ClinGen allele CA275647.